The following is an entry in ClinVar:

NM_004360.5(CDH1):c.387G>C (p.Gln129His)

Gene: CDH1 (cadherin 1; plus strand). Cytogenetic location: 16q22.1.
Variant type: single nucleotide variant.
Coding change: c.387G>C on transcript NM_004360.5 (MANE Select); coding-DNA position 387, G replaced by C.
Protein change: p.Gln129His; replaces glutamine 129 with histidine.
Molecular consequence: missense variant. On other transcripts: 5 prime UTR variant (2).
Genome position (GRCh38, 1-based): chr16:68,801,893, G>C. VCF-style: chr16-68801893-G-C. GRCh37 (hg19) VCF-style: chr16-68835796-G-C.
Other names: c.387G>C, p.Gln129His (NM_001317184.2); c.-1229G>C (NM_001317185.2); c.-1433G>C (NM_001317186.2); short protein forms Q129H.
Identifiers: ClinVar variation 2035293 (VCV002035293.4), dbSNP rs764700595, ClinGen allele CA396457506.

ClinVar aggregate classification (germline): Uncertain significance (1 of 4 stars; one submission).

Conditions:
Hereditary diffuse gastric adenocarcinoma (HDGC). Also called: DIFFUSE GASTRIC AND LOBULAR BREAST CANCER SYNDROME. Identifiers: Orphanet 26106, MedGen C1708349, MONDO:0007648, OMIM 137215.

Submission:

Labcorp Genetics (formerly Invitae), Labcorp
Classification: Uncertain significance for Hereditary diffuse gastric adenocarcinoma. Last evaluated: 2022-10-13. Review status: criteria provided, single submitter. Criteria: Invitae Variant Classification Sherloc (09022015). Collection method: clinical testing. Allele origin: germline.
Comment: This sequence change replaces glutamine, which is neutral and polar, with histidine, which is basic and polar, at codon 129 of the CDH1 protein (p.Gln129His). This variant also falls at the last nucleotide of exon 3, which is part of the consensus splice site for this exon. This variant is not present in population databases (gnomAD no frequency). This missense change has been observed in individual(s) with diffuse gastric cancer (PMID: 30895400). Algorithms developed to predict the effect of missense changes on protein structure and function output the following: SIFT: "Tolerated"; PolyPhen-2: "Benign"; Align-GVGD: "Class C0". The histidine amino acid residue is found in multiple mammalian species, which suggests that this missense change does not adversely affect protein function. Variants that disrupt the consensus splice site are a relatively common cause of aberrant splicing (PMID: 17576681, 9536098). In summary, the available evidence is currently insufficient to determine the role of this variant in disease. Therefore, it has been classified as a Variant of Uncertain Significance.

Literature cited by the submitters: PubMed 30895400; PubMed 17576681; PubMed 9536098.